The following is an entry in ClinVar:

NM_002437.5(MPV17):c.477del (p.Gln159fs)

Gene: MPV17 (mitochondrial inner membrane protein MPV17; minus strand). Cytogenetic location: 2p23.3.
Variant type: Deletion.
Coding change: c.477del on transcript NM_002437.5 (MANE Select); coding-DNA position 477, one base deleted (A; older notation c.477delA).
Protein change: p.Gln159fs; shifts the reading frame from glutamine 159.
Molecular consequence: frameshift variant.
Genome position (GRCh38, 1-based): chr2:27,309,966, T deleted on the plus strand (A on the coding strand, the reverse complement: MPV17 is on the minus strand); the first of 2 consecutive T bases (chr2:27,309,966-27,309,967); deleting either gives the same sequence. VCF-style (leftmost placement, unchanged base first): chr2-27309965-AT-A. GRCh37 (hg19) VCF-style: chr2-27532833-AT-A.
Other names: short protein forms Q159fs.
Identifiers: ClinVar variation 2415008 (VCV002415008.6), dbSNP rs1679366951, ClinGen allele CA1240215873.
Genomic context (GRCh38, chr2:27,309,965, plus strand): 5'-GGCAGGCTTAGAGCCGATGTGCCTTCCAGGACAGGTAGGAGTTCCAGATAACAGCAACAC[AT>A]TGGACAACGGCCAACCTAAGGAACAGGAATAACACAATGAAGAGGAGGAAGGCTAAGCAG-3'

ClinVar aggregate classification (germline): Pathogenic (1 of 4 stars; one submission).

Submission:

Labcorp Genetics (formerly Invitae), Labcorp
Classification: Pathogenic. Last evaluated: 2025-01-15. Review status: criteria provided, single submitter. Criteria: Invitae Variant Classification Sherloc (09022015). Collection method: clinical testing. Allele origin: germline.
Comment: This sequence change results in a frameshift in the MPV17 gene (p.Gln159Hisfs*59). While this is not anticipated to result in nonsense mediated decay, it is expected to disrupt the last 18 amino acid(s) of the MPV17 protein and extend the protein by 40 additional amino acid residues. This variant is not present in population databases (gnomAD no frequency). This variant has not been reported in the literature in individuals affected with MPV17-related conditions. ClinVar contains an entry for this variant (Variation ID: 2415008). Experimental studies and prediction algorithms are not available or were not evaluated, and the functional significance of this variant is currently unknown. This variant disrupts a region of the MPV17 protein in which other variant(s) (p.Ser170Phe) have been determined to be pathogenic (PMID: 19520594). This suggests that this is a clinically significant region of the protein, and that variants that disrupt it are likely to be disease-causing. For these reasons, this variant has been classified as Pathogenic.

Literature cited by the submitters: PubMed 19520594.